The following is an entry in ClinVar:

NM_004168.4(SDHA):c.1190A>C (p.Lys397Thr)

Gene: SDHA (succinate dehydrogenase complex flavoprotein subunit A; plus strand). Cytogenetic location: 5p15.33.
Variant type: single nucleotide variant.
Coding change: c.1190A>C on transcript NM_004168.4 (MANE Select); coding-DNA position 1190, A replaced by C.
Protein change: p.Lys397Thr; replaces lysine 397 with threonine.
Molecular consequence: missense variant.
Genome position (GRCh38, 1-based): chr5:235,269, A>C. VCF-style: chr5-235269-A-C. GRCh37 (hg19) VCF-style: chr5-235384-A-C.
Other names: c.1046A>C, p.Lys349Thr (NM_001294332.2); c.1190A>C, p.Lys397Thr (NM_001330758.2); c.1190A>C (NM_004168.2); short protein forms K349T, K397T.
Identifiers: ClinVar variation 1038752 (VCV001038752.11), dbSNP rs745798689, ClinGen allele CA3173135.

ClinVar aggregate classification (germline): Uncertain significance. Review status: criteria provided, multiple submitters, no conflicts (2 of 4 stars). 2 submissions from 2 submitters: Uncertain significance (2). Last evaluated 2025-09-12.

Conditions:
Hereditary cancer-predisposing syndrome. Also called: Tumor predisposition; Hereditary neoplastic syndrome; Neoplastic Syndromes, Hereditary; Hereditary Cancer Syndrome. Identifiers: Orphanet 140162, MedGen C0027672, MeSH D009386, MONDO:0015356.
Mitochondrial complex II deficiency, nuclear type 1. Also called: SUCCINATE CoQ REDUCTASE DEFICIENCY. Identifiers: Orphanet 3208, MedGen C5700310, MONDO:0100294, OMIM 252011.
Pheochromocytoma/paraganglioma syndrome 5. Also called: Paragangliomas 5; SDHA-Related Hereditary Paraganglioma-Pheochromocytoma Syndrome. Identifiers: Orphanet 29072, MedGen C3279992, MONDO:0013602, OMIM 614165.

Allele frequency attached by ClinVar (database versions not stated): ExAC 0.00001; gnomAD 0.00001.

Submissions (2):

Ambry Genetics
Classification: Uncertain significance for Hereditary cancer-predisposing syndrome. Last evaluated: 2025-09-12. Review status: criteria provided, single submitter. Criteria: Ambry Variant Classification Scheme 2023. Collection method: clinical testing. Allele origin: germline.
Comment: The p.K397T variant (also known as c.1190A>C), located in coding exon 9 of the SDHA gene, results from an A to C substitution at nucleotide position 1190. The lysine at codon 397 is replaced by threonine, an amino acid with similar properties. This amino acid position is conserved. In addition, the in silico prediction for this alteration is inconclusive. Since supporting evidence is limited at this time, the clinical significance of this alteration remains unclear.

Labcorp Genetics (formerly Invitae), Labcorp
Classification: Uncertain significance for Pheochromocytoma/paraganglioma syndrome 5; Mitochondrial complex II deficiency, nuclear type 1. Last evaluated: 2025-07-16. Review status: criteria provided, single submitter. Criteria: Invitae Variant Classification Sherloc (09022015). Collection method: clinical testing. Allele origin: germline.
Comment: This sequence change replaces lysine, which is basic and polar, with threonine, which is neutral and polar, at codon 397 of the SDHA protein (p.Lys397Thr). This variant is not present in population databases (gnomAD no frequency). This variant has not been reported in the literature in individuals affected with SDHA-related conditions. ClinVar contains an entry for this variant (Variation ID: 1038752). Invitae Evidence Modeling of protein sequence and biophysical properties (such as structural, functional, and spatial information, amino acid conservation, physicochemical variation, residue mobility, and thermodynamic stability) indicates that this missense variant is not expected to disrupt SDHA protein function with a negative predictive value of 95%. In summary, the available evidence is currently insufficient to determine the role of this variant in disease. Therefore, it has been classified as a Variant of Uncertain Significance.